The following is an entry in ClinVar:

ClinVar aggregate classification (germline): Uncertain significance (1 of 4 stars; one submission).

Submission:

Ambry Genetics
Classification: Uncertain significance. Last evaluated: 2025-05-11. Review status: criteria provided, single submitter. Criteria: Ambry Variant Classification Scheme 2023. Collection method: clinical testing. Allele origin: germline.
Comment: The p.E354G variant (also known as c.1061A>G), located in coding exon 6 of the GALNT12 gene, results from an A to G substitution at nucleotide position 1061. The glutamic acid at codon 354 is replaced by glycine, an amino acid with similar properties. This amino acid position is conserved. In addition, this alteration is predicted to be deleterious by in silico analysis. Based on the available evidence, the clinical significance of this variant remains unclear.

NM_024642.5(GALNT12):c.1061A>G (p.Glu354Gly)

Gene: GALNT12 (polypeptide N-acetylgalactosaminyltransferase 12; plus strand). Cytogenetic location: 9q22.33.
Variant type: single nucleotide variant.
Coding change: c.1061A>G on transcript NM_024642.5 (MANE Select); coding-DNA position 1061, A replaced by G.
Protein change: p.Glu354Gly; replaces glutamic acid 354 with glycine.
Molecular consequence: missense variant.
Genome position (GRCh38, 1-based): chr9:98,836,997, A>G. VCF-style: chr9-98836997-A-G. GRCh37 (hg19) VCF-style: chr9-101599279-A-G.
Other names: short protein forms E354G.
Identifiers: ClinVar variation 4028016 (VCV004028016.1).
Genomic context (GRCh38, chr9:98,836,997, plus strand): 5'-CTCACCACCTGGCCTCTCCTTTTCTCTGTGTGCAGATCTGGCAGTGTGGTGGGGTTCTGG[A>G]AACACACCCATGTTCCCATGTTGGCCATGTTTTCCCCAAGCAAGCTCCCTACTCCCGCAA-3'
Protein context (NP_078918.3, residues 344-364): FRIWQCGGVL[Glu354Gly]THPCSHVGHV